The following is an entry in ClinVar:

NM_001048174.2(MUTYH):c.55C>T (p.Gln19Ter)

Gene: MUTYH (mutY DNA glycosylase; minus strand). Cytogenetic location: 1p34.1.
Variant type: single nucleotide variant.
Coding change: c.55C>T on transcript NM_001048174.2 (MANE Select); coding-DNA position 55, C replaced by T.
Protein change: p.Gln19Ter; replaces glutamine 19 with a stop codon.
Molecular consequence: nonsense. On other transcripts: 5 prime UTR variant (4), non-coding transcript variant (2).
Genome position (GRCh38, 1-based): chr1:45,334,451, G>A on the plus strand (C>T on the coding strand, the complement: MUTYH is on the minus strand). VCF-style: chr1-45334451-G-A. GRCh37 (hg19) VCF-style: chr1-45800123-G-A.
Other names: c.55C>T, p.Gln19Ter (NM_001048171.2, NM_001048172.2, NM_001048173.2 and 2 more transcripts); c.97C>T, p.Gln33Ter (NM_001128425.2, NM_001293190.2, NM_012222.3); c.-158C>T (NM_001293192.2, NM_001293196.2); c.-217C>T (NM_001350650.2); c.-153C>T (NM_001350651.2); short protein forms Q33*, Q19*.
Identifiers: ClinVar variation 297471 (VCV000297471.6), dbSNP rs886046367, ClinGen allele CA10611140.

ClinVar aggregate classification (germline): Pathogenic (1 of 4 stars; one submission).

Conditions:
Familial adenomatous polyposis 2. Also called: COLORECTAL ADENOMATOUS POLYPOSIS, AUTOSOMAL RECESSIVE; ADENOMAS, MULTIPLE COLORECTAL, AUTOSOMAL RECESSIVE; MUTYH-associated polyposis; MUTYH-related attenuated familial adenomatous polyposis; Adenomas, multiple colorectal; FAP type 2. Identifiers: Orphanet 220460, Orphanet 247798, MedGen C3272841, MONDO:0012041, OMIM 608456.

Submission:

All of Us Research Program, National Institutes of Health
Classification: Pathogenic for Familial adenomatous polyposis 2. Last evaluated: 2023-09-05. Review status: criteria provided, single submitter. Criteria: ACMG Guidelines, 2015. Collection method: clinical testing. Allele origin: germline. Inheritance: Autosomal recessive inheritance. Observed: 1 variant allele, 1 heterozygote.
Comment: This study involves interpretation of variants in research participants for the purpose of population health screening. Participant phenotype was not available at the time of variant classification. Additional details can be found in publication PMID: 35346344, PMCID: PMC8962531